The following is an entry in ClinVar:

ClinVar aggregate classification (germline): Uncertain significance (1 of 4 stars; one submission).

Conditions:
Early-infantile DEE. Also called: Early infantile epileptic encephalopathy with suppression bursts; Ohtahara syndrome; Early infantile epileptic encephalopathy. Identifiers: Orphanet 1934, MedGen C0393706, MONDO:0800491.

Allele frequency attached by ClinVar (database versions not stated): gnomAD 0.00001.
gnomAD v4.1: 1 of 1,613,940 alleles (0.000062%); highest among the groups gnomAD compares: African/African-American, 0.0013%; no homozygotes.

Submission:

Labcorp Genetics (formerly Invitae), Labcorp
Classification: Uncertain significance for Early-infantile DEE. Last evaluated: 2024-12-07. Review status: criteria provided, single submitter. Criteria: Invitae Variant Classification Sherloc (09022015). Collection method: clinical testing. Allele origin: germline.
Comment: This sequence change falls in intron 55 of the SPTAN1 gene. It does not directly change the encoded amino acid sequence of the SPTAN1 protein. It affects a nucleotide within the consensus splice site. This variant is not present in population databases (gnomAD no frequency). This variant has not been reported in the literature in individuals affected with SPTAN1-related conditions. ClinVar contains an entry for this variant (Variation ID: 2995436). Variants that disrupt the consensus splice site are a relatively common cause of aberrant splicing (PMID: 17576681, 9536098). Algorithms developed to predict the effect of sequence changes on RNA splicing suggest that this variant is not likely to affect RNA splicing. In summary, the available evidence is currently insufficient to determine the role of this variant in disease. Therefore, it has been classified as a Variant of Uncertain Significance.

Literature cited by the submitters: PubMed 17576681; PubMed 9536098.

NM_001130438.3(SPTAN1):c.7161-3T>C

Gene: SPTAN1 (spectrin alpha, non-erythrocytic 1; plus strand). Cytogenetic location: 9q34.11.
Variant type: single nucleotide variant.
Coding change: c.7161-3T>C on transcript NM_001130438.3 (MANE Select); 3 bases into the intron before coding-DNA position 7161, T replaced by C.
Molecular consequence: intron variant.
Genome position (GRCh38, 1-based): chr9:128,632,805, T>C. VCF-style: chr9-128632805-T-C. GRCh37 (hg19) VCF-style: chr9-131395084-T-C.
Other names: c.7260-3T>C (NM_001375318.1); c.7197-3T>C (NM_001375312.2); c.7161-3T>C (NM_001375311.2); c.7101-3T>C (NM_001375314.2, NM_001363765.2); c.7248-3T>C (NM_001375310.1); c.7224-3T>C (NM_001363759.2); c.7143-3T>C (NM_001375313.1); c.7146-3T>C (NM_003127.4); and 1 more.
Identifiers: ClinVar variation 2995436 (VCV002995436.3), dbSNP rs112276354, ClinGen allele CA200413347.